The following is an entry in ClinVar:

NM_006231.4(POLE):c.5264G>T (p.Gly1755Val)

Gene: POLE (DNA polymerase epsilon, catalytic subunit; minus strand). Cytogenetic location: 12q24.33.
Variant type: single nucleotide variant.
Coding change: c.5264G>T on transcript NM_006231.4 (MANE Select); coding-DNA position 5264, G replaced by T.
Protein change: p.Gly1755Val; replaces glycine 1755 with valine.
Molecular consequence: missense variant.
Genome position (GRCh38, 1-based): chr12:132,641,761, C>A on the plus strand (G>T on the coding strand, the complement: POLE is on the minus strand). VCF-style: chr12-132641761-C-A. GRCh37 (hg19) VCF-style: chr12-133218347-C-A.
Other names: short protein forms G1755V.
Identifiers: ClinVar variation 846861 (VCV000846861.9), dbSNP rs760235113, ClinGen allele CA387376254.
Genomic context (GRCh38, chr12:132,641,761, plus strand): 5'-GCCTGACCACCCGTGATCATGTCCTCCAGGGAGGCCTGCTGGATCACGTCGAAGCTGATC[C>A]CCATGCTGTCGGCCCCCTCCATGTCGTTGACATGGTGAGACTGGAGAATGGTGTTGACGG-3'
Protein context (NP_006222.2, residues 1745-1765): VNDMEGADSM[Gly1755Val]ISFDVIQQAS

ClinVar aggregate classification (germline): Uncertain significance (1 of 4 stars; one submission).

Submission:

Labcorp Genetics (formerly Invitae), Labcorp
Classification: Uncertain significance. Last evaluated: 2020-01-07. Review status: criteria provided, single submitter. Criteria: Invitae Variant Classification Sherloc (09022015). Collection method: clinical testing. Allele origin: germline.
Comment: Algorithms developed to predict the effect of sequence changes on RNA splicing suggest that this variant may create or strengthen a splice site, but this prediction has not been confirmed by published transcriptional studies. Algorithms developed to predict the effect of missense changes on protein structure and function are either unavailable or do not agree on the potential impact of this missense change (SIFT: "Deleterious"; PolyPhen-2: "Benign"; Align-GVGD: "Class C0"). This variant has not been reported in the literature in individuals with POLE-related conditions. This variant is not present in population databases (ExAC no frequency). This sequence change replaces glycine with valine at codon 1755 of the POLE protein (p.Gly1755Val). The glycine residue is moderately conserved and there is a moderate physicochemical difference between glycine and valine. In summary, the available evidence is currently insufficient to determine the role of this variant in disease. Therefore, it has been classified as a Variant of Uncertain Significance.